The following is an entry in ClinVar:

NM_182914.3(SYNE2):c.17033C>A (p.Thr5678Lys)

Gene: SYNE2 (spectrin repeat containing nuclear envelope protein 2; plus strand). Cytogenetic location: 14q23.2.
Variant type: single nucleotide variant.
Coding change: c.17033C>A on transcript NM_182914.3 (MANE Select); coding-DNA position 17033, C replaced by A.
Protein change: p.Thr5678Lys; replaces threonine 5678 with lysine.
Molecular consequence: missense variant.
Genome position (GRCh38, 1-based): chr14:64,170,260, C>A. VCF-style: chr14-64170260-C-A. GRCh37 (hg19) VCF-style: chr14-64636978-C-A.
Other names: c.17033C>A, p.Thr5678Lys (NM_015180.6); short protein forms T5678K.
Identifiers: ClinVar variation 3682325 (VCV003682325.2).

ClinVar aggregate classification (germline): Uncertain significance (1 of 4 stars; one submission).

Conditions:
Emery-Dreifuss muscular dystrophy 5, autosomal dominant (EDMD5). Also called: EMERY-DREIFUSS MUSCULAR DYSTROPHY 5. Identifiers: Orphanet 261, MedGen C2751805, MONDO:0013072, OMIM 612999.

gnomAD v4.1: 1 of 1,613,940 alleles (0.000062%); highest among the groups gnomAD compares: Admixed American, 0.0017%; no homozygotes.

Submission:

Labcorp Genetics (formerly Invitae), Labcorp
Classification: Uncertain significance for Emery-Dreifuss muscular dystrophy 5, autosomal dominant. Last evaluated: 2024-11-05. Review status: criteria provided, single submitter. Criteria: Invitae Variant Classification Sherloc (09022015). Collection method: clinical testing. Allele origin: germline.
Comment: This sequence change replaces threonine, which is neutral and polar, with lysine, which is basic and polar, at codon 5678 of the SYNE2 protein (p.Thr5678Lys). This variant is not present in population databases (gnomAD no frequency). This variant has not been reported in the literature in individuals affected with SYNE2-related conditions. An algorithm developed to predict the effect of missense changes on protein structure and function outputs the following: PolyPhen-2: "Benign". The lysine amino acid residue is found in multiple mammalian species, which suggests that this missense change does not adversely affect protein function. In summary, the available evidence is currently insufficient to determine the role of this variant in disease. Therefore, it has been classified as a Variant of Uncertain Significance.